The following is an entry in ClinVar:

ClinVar aggregate classification (germline): Uncertain significance (1 of 4 stars; one submission).

gnomAD v4.1: 7 of 1,558,944 alleles (0.00045%); highest among the groups gnomAD compares: Middle Eastern, 0.018%; no homozygotes.

Submission:

GeneDx
Classification: Uncertain significance. Last evaluated: 2024-10-07. Review status: criteria provided, single submitter. Criteria: GeneDx Variant Classification Process June 2021. Collection method: clinical testing. Allele origin: germline. Affected: yes.
Comment: Not observed at significant frequency in large population cohorts (gnomAD); In silico analysis supports that this missense variant has a deleterious effect on protein structure/function; Has not been previously published as pathogenic or benign to our knowledge

NM_020442.6(VARS2):c.884G>A (p.Arg295Gln)

Gene: VARS2 (valyl-tRNA synthetase 2, mitochondrial; plus strand). Cytogenetic location: 6p21.33.
Variant type: single nucleotide variant.
Coding change: c.884G>A on transcript NM_020442.6 (MANE Select); coding-DNA position 884, G replaced by A.
Protein change: p.Arg295Gln; replaces arginine 295 with glutamine.
Molecular consequence: missense variant.
Genome position (GRCh38, 1-based): chr6:30,917,705, G>A. VCF-style: chr6-30917705-G-A. GRCh37 (hg19) VCF-style: chr6-30885482-G-A.
Other names: c.464G>A, p.Arg155Gln (NM_001167733.3); c.974G>A, p.Arg325Gln (NM_001167734.2); short protein forms R155Q, R295Q, R325Q.
Identifiers: ClinVar variation 3776457 (VCV003776457.1).